The following is an entry in ClinVar:

ClinVar aggregate classification (germline): Conflicting classifications of pathogenicity. Review status: criteria provided, conflicting classifications (1 of 4 stars). 2 submissions from 2 submitters: Uncertain significance (1); Likely benign (1). Last evaluated 2025-05-08.

Conditions:
Renal cell carcinoma. Identifiers: Orphanet 217071, MedGen C0007134, MeSH D002292, MONDO:0005086, HP:0005584.
Hereditary cancer-predisposing syndrome. Also called: Tumor predisposition; Hereditary neoplastic syndrome; Neoplastic Syndromes, Hereditary; Hereditary Cancer Syndrome. Identifiers: Orphanet 140162, MedGen C0027672, MeSH D009386, MONDO:0015356.

Submissions (2):

Ambry Genetics
Classification: Likely benign for Hereditary cancer-predisposing syndrome. Last evaluated: 2025-05-08. Review status: criteria provided, single submitter. Criteria: Ambry Variant Classification Scheme 2023. Collection method: clinical testing. Allele origin: germline.

Labcorp Genetics (formerly Invitae), Labcorp
Classification: Uncertain significance for Renal cell carcinoma. Last evaluated: 2022-02-20. Review status: criteria provided, single submitter. Criteria: Invitae Variant Classification Sherloc (09022015). Collection method: clinical testing. Allele origin: germline.
Comment: Algorithms developed to predict the effect of missense changes on protein structure and function (SIFT, PolyPhen-2, Align-GVGD) all suggest that this variant is likely to be tolerated. In summary, the available evidence is currently insufficient to determine the role of this variant in disease. Therefore, it has been classified as a Variant of Uncertain Significance. ClinVar contains an entry for this variant (Variation ID: 818832). This variant has not been reported in the literature in individuals affected with MET-related conditions. This variant is not present in population databases (gnomAD no frequency). This sequence change replaces glutamine, which is neutral and polar, with glutamic acid, which is acidic and polar, at codon 433 of the MET protein (p.Gln433Glu).

NM_000245.4(MET):c.1297C>G (p.Gln433Glu)

Gene: MET (MET proto-oncogene, receptor tyrosine kinase; plus strand). Cytogenetic location: 7q31.2.
Variant type: single nucleotide variant.
Coding change: c.1297C>G on transcript NM_000245.4 (MANE Select); coding-DNA position 1297, C replaced by G.
Protein change: p.Gln433Glu; replaces glutamine 433 with glutamic acid.
Molecular consequence: missense variant.
Genome position (GRCh38, 1-based): chr7:116,731,764, C>G. VCF-style: chr7-116731764-C-G. GRCh37 (hg19) VCF-style: chr7-116371818-C-G.
Other names: c.1297C>G, p.Gln433Glu (NM_001127500.3, NM_001324401.3); c.7C>G, p.Gln3Glu (NM_001324402.2); short protein forms Q433E, Q3E.
Identifiers: ClinVar variation 818832 (VCV000818832.10), dbSNP rs1584914144, ClinGen allele CA368972872.